The following is an entry in ClinVar:

ClinVar aggregate classification (germline): Likely benign. Review status: reviewed by expert panel (3 of 4 stars). 2 submissions from 2 submitters: Likely benign (1). 1 of the submissions does not count toward it. Last evaluated 2026-04-29.

Conditions:
Hereditary thrombocytopenia and hematologic cancer predisposition syndrome. Identifiers: Orphanet 71290, MedGen CN281654, MONDO:0011071.
Hereditary thrombocytopenia and hematological cancer predisposition syndrome associated with RUNX1. Also called: RUNX1 Familial Platelet Disorder with Associated Myeloid Malignancies; Familial Platelet Disorder with Propensity to Acute Myelogenous Leukemia; Familial thrombocytopenia with propensity to acute myelogenous leukemia; PLATELET DISORDER, ASPIRIN-LIKE. Identifiers: Orphanet 71290, MedGen C1832388, MeSH C563324, MONDO:0100083, OMIM 601399.

gnomAD v4.1: 1 of 1,610,014 alleles (0.000062%); no homozygotes.

Submissions (2):

ClinGen Myeloid Malignancy Variant Curation Expert Panel
Classification: Likely benign for Hereditary thrombocytopenia and hematologic cancer predisposition syndrome. Last evaluated: 2026-04-29. Review status: reviewed by expert panel. Criteria: ClinGen MyeloMalig ACMG Specifications V3.1. Collection method: curation. Allele origin: germline. Inheritance: Autosomal dominant inheritance.
Comment: NM_001754.5(RUNX1):c.777T>C (p.Phe259=) is a synonymous variant which has a SpliceAI score ≤ 0.20 (0.04) (BP4, BP7). This variant has a MAF ≤ 0.00005 in gnomAD v4 across all subpopulations with at least 20X coverage for RUNX1 (PM2_supporting). In summary, this variant meets criteria to be classified as likely benign. ACMG/AMP criteria applied, as specified by the Myeloid Malignancy Variant Curation Expert Panel for RUNX1: BP4, BP7, PM2_supporting.

Labcorp Genetics (formerly Invitae), Labcorp
Classification: Likely benign for Hereditary thrombocytopenia and hematological cancer predisposition syndrome associated with RUNX1. Last evaluated: 2021-06-15. Review status: criteria provided, single submitter. Criteria: Invitae Variant Classification Sherloc (09022015). Collection method: clinical testing. Allele origin: germline. Not counted in ClinVar's aggregate classification.

NM_001754.5(RUNX1):c.777T>C (p.Phe259=)

Gene: RUNX1 (RUNX family transcription factor 1; minus strand). Cytogenetic location: 21q22.12.
Variant type: single nucleotide variant.
Coding change: c.777T>C on transcript NM_001754.5 (MANE Select); coding-DNA position 777, T replaced by C.
Protein change: p.Phe259=; no amino-acid change (phenylalanine 259 retained).
Molecular consequence: synonymous variant.
Genome position (GRCh38, 1-based): chr21:34,834,438, A>G on the plus strand (T>C on the coding strand, the complement: RUNX1 is on the minus strand). VCF-style: chr21-34834438-A-G. GRCh37 (hg19) VCF-style: chr21-36206735-A-G.
Other names: NM_001754.5(RUNX1):c.777T>C; p.Phe259=; c.696T>C, p.Phe232= (NM_001001890.3, NM_001122607.2).
Identifiers: ClinVar variation 1552198 (VCV001552198.11), dbSNP rs2146074789, ClinGen allele CA512318567.